The following is an entry in ClinVar:

ClinVar aggregate classification (germline): Conflicting classifications of pathogenicity. Review status: criteria provided, conflicting classifications (1 of 4 stars). 3 submissions from 3 submitters: Uncertain significance (1); Likely benign (1). 1 of the submissions does not count toward it. Last evaluated 2025-06-29.

Conditions:
BNAR syndrome. Also called: Bifid Nose With or Without Anorectal and Renal Anomalies (BNAR) Syndrome. Identifiers: Orphanet 217266, MedGen C2750433, MONDO:0012165, OMIM 608980.
Oculotrichoanal syndrome (MOTA). Also called: MARLES SYNDROME; Manitoba Oculotrichoanal (MOTA) Syndrome. Identifiers: Orphanet 2717, MedGen C1855425, MONDO:0009560, OMIM 248450.
Trigonocephaly 2 (TRIGNO2). Identifiers: Orphanet 3366, MedGen C3280974, MONDO:0013774, OMIM 614485.
FREM1-related disorder. Also called: FREM1-Related Disorders; FREM1-related condition.

Allele frequency attached by ClinVar (database versions not stated): TOPMed 0.00012; ESP Exome Variant Server 0.00016; ExAC 0.00004; gnomAD 0.00016.
gnomAD v4.1: 51 of 1,613,860 alleles (0.0032%); highest among the groups gnomAD compares: African/African-American, 0.063%; no homozygotes.

Submissions (3):

Labcorp Genetics (formerly Invitae), Labcorp
Classification: Likely benign. Last evaluated: 2025-06-29. Review status: criteria provided, single submitter. Criteria: Invitae Variant Classification Sherloc (09022015). Collection method: clinical testing. Allele origin: germline.

Fulgent Genetics
Classification: Uncertain significance for Oculotrichoanal syndrome; BNAR syndrome; Trigonocephaly 2. Last evaluated: 2024-01-02. Review status: criteria provided, single submitter. Criteria: ACMG Guidelines, 2015. Collection method: clinical testing. Allele origin: germline.

PreventionGenetics, part of Exact Sciences
Classification: Likely benign for FREM1-related condition. Last evaluated: 2022-04-28. Review status: no assertion criteria provided. Collection method: clinical testing. Allele origin: germline. Not counted in ClinVar's aggregate classification.
Comment: This variant is classified as likely benign based on ACMG/AMP sequence variant interpretation guidelines (Richards et al. 2015 PMID: 25741868, with internal and published modifications).

NM_001379081.2(FREM1):c.4644G>A (p.Gln1548=)

Gene: FREM1 (FRAS1 related extracellular matrix 1; minus strand). Cytogenetic location: 9p22.3.
Variant type: single nucleotide variant.
Coding change: c.4644G>A on transcript NM_001379081.2 (MANE Select); coding-DNA position 4644, G replaced by A.
Protein change: p.Gln1548=; no amino-acid change (glutamine 1548 retained).
Molecular consequence: synonymous variant. On other transcripts: non-coding transcript variant (2).
Genome position (GRCh38, 1-based): chr9:14,776,002, C>T on the plus strand (G>A on the coding strand, the complement: FREM1 is on the minus strand). VCF-style: chr9-14776002-C-T. GRCh37 (hg19) VCF-style: chr9-14776000-C-T.
Other names: c.252G>A, p.Gln84= (NM_001177704.3, NM_001370058.2, NM_001370061.2); c.4644G>A, p.Gln1548= (NM_144966.7).
Identifiers: ClinVar variation 3046386 (VCV003046386.4), dbSNP rs373755380, ClinGen allele CA4990106.